The following is an entry in ClinVar:

ClinVar aggregate classification (germline): Likely pathogenic (1 of 4 stars; one submission).

Submission:

Quest Diagnostics Nichols Institute San Juan Capistrano
Classification: Likely pathogenic. Last evaluated: 2024-05-25. Review status: criteria provided, single submitter. Criteria: ACMG/ClinGen CNV Guidelines, 2019. Collection method: clinical testing. Allele origin: unknown.
Comment: Duplications involving the 5q14.3 region have been reported in association with a range of phenotypes (Cesaretto 2016, Firth 2009, Le Meur 2010, Novara 2013, Yauy 2019). There are no similar copy number gains of this region in the general populations of the Database of Genomic Variants. Thus, this copy number variant (CNV) is classified as likely pathogenic. References: Cesaretti et al., Am J Med Genet A. 2016 May;170A(5):1352-7. PMID: 26864752; Firth et al., Am J Hum Genet. 2009 Apr;84(4):524-33. PMID: 19344873 Le Meur et al., J Med Genet. 2010 Jan;47(1):22-9. PMID: 19592390; Novara et al., Eur J Med Genet. 2013 May;56(5):260-5. PMID: 23402836; Yauy et al., BMC Med Genomics. 2019 Aug 2;12(1):116. PMID: 31375103

GRCh37/hg19 5q14.1-15(chr5:80522053-92353965)x3

Genes: CCNH (cyclin H; minus strand), ATP6AP1L (ATPase H+ transporting accessory protein 1 like; plus strand), CKMT2 (creatine kinase, mitochondrial 2; plus strand), CETN3 (centrin 3; minus strand), ACOT12 (acyl-CoA thioesterase 12; minus strand) and 22 more. Cytogenetic location: 5q14.1-15.
Variant type: copy number gain.
Change: copy number 3 (three copies instead of two) of chr5:80,522,053-92,353,965 (11.83 Mb, GRCh37 coordinates, 1-based), cytogenetic band 5q14.1-15.
Identifiers: ClinVar variation 3391821 (VCV003391821.1).